The following is an entry in ClinVar:

ClinVar aggregate classification (germline): Uncertain significance (1 of 4 stars; one submission).

Conditions:
Combined immunodeficiency due to OX40 deficiency. Also called: OX40 DEFICIENCY; Immunodeficiency 16. Identifiers: Orphanet 431149, MedGen C3810053, MONDO:0014268, OMIM 615593.

Submission:

Labcorp Genetics (formerly Invitae), Labcorp
Classification: Uncertain significance for Combined immunodeficiency due to OX40 deficiency. Last evaluated: 2023-04-27. Review status: criteria provided, single submitter. Criteria: Invitae Variant Classification Sherloc (09022015). Collection method: clinical testing. Allele origin: germline.
Comment: This variant is not present in population databases (gnomAD no frequency). This sequence change replaces phenylalanine, which is neutral and non-polar, with serine, which is neutral and polar, at codon 71 of the TNFRSF4 protein (p.Phe71Ser). This variant has not been reported in the literature in individuals affected with TNFRSF4-related conditions. In summary, the available evidence is currently insufficient to determine the role of this variant in disease. Therefore, it has been classified as a Variant of Uncertain Significance. Advanced modeling of protein sequence and biophysical properties (such as structural, functional, and spatial information, amino acid conservation, physicochemical variation, residue mobility, and thermodynamic stability) performed at Invitae indicates that this missense variant is not expected to disrupt TNFRSF4 protein function.

NM_003327.4(TNFRSF4):c.212T>C (p.Phe71Ser)

Gene: TNFRSF4 (TNF receptor superfamily member 4; minus strand). Cytogenetic location: 1p36.33.
Variant type: single nucleotide variant.
Coding change: c.212T>C on transcript NM_003327.4 (MANE Select); coding-DNA position 212, T replaced by C.
Protein change: p.Phe71Ser; replaces phenylalanine 71 with serine.
Molecular consequence: missense variant.
Genome position (GRCh38, 1-based): chr1:1,213,719, A>G on the plus strand (T>C on the coding strand, the complement: TNFRSF4 is on the minus strand). VCF-style: chr1-1213719-A-G. GRCh37 (hg19) VCF-style: chr1-1149099-A-G.
Other names: c.212T>C, p.Phe71Ser (NM_001410709.1); short protein forms F71S.
Identifiers: ClinVar variation 3019115 (VCV003019115.3), dbSNP rs2521778866, ClinGen allele CA337802085.